The following is an entry in ClinVar:

NM_000455.5(STK11):c.580G>A (p.Asp194Asn)

Gene: STK11 (serine/threonine kinase 11; plus strand). Cytogenetic location: 19p13.3.
Variant type: single nucleotide variant.
Coding change: c.580G>A on transcript NM_000455.5 (MANE Select); coding-DNA position 580, G replaced by A.
Protein change: p.Asp194Asn; replaces aspartic acid 194 with asparagine.
Molecular consequence: missense variant.
Genome position (GRCh38, 1-based): chr19:1,220,488, G>A. VCF-style: chr19-1220488-G-A. GRCh37 (hg19) VCF-style: chr19-1220487-G-A.
Other names: short protein forms D194N.
Identifiers: ClinVar variation 188348 (VCV000188348.36), dbSNP rs121913315, ClinGen allele CA023091.

ClinVar aggregate classification (germline): Pathogenic/Likely pathogenic. Review status: criteria provided, multiple submitters, no conflicts (2 of 4 stars). 12 submissions from 12 submitters: Pathogenic (6); Likely pathogenic (3). 3 of the submissions do not count toward it. Last evaluated 2025-03-25.

Conditions:
Hereditary cancer-predisposing syndrome. Also called: Hereditary Cancer Syndrome; Neoplastic Syndromes, Hereditary; Tumor predisposition; Hereditary neoplastic syndrome. Identifiers: Orphanet 140162, MedGen C0027672, MeSH D009386, MONDO:0015356.
Peutz-Jeghers syndrome (PJS). Also called: POLYPOSIS, HAMARTOMATOUS INTESTINAL; POLYPS-AND-SPOTS SYNDROME; Peutz-Jeghers polyposis; Periorificial lentiginosis syndrome. Identifiers: Orphanet 2869, MedGen C0031269, MeSH D010580, MONDO:0008280, OMIM 175200.

Submissions (12):

Labcorp Genetics (formerly Invitae), Labcorp
Classification: Pathogenic for Peutz-Jeghers syndrome. Last evaluated: 2025-03-25. Review status: criteria provided, single submitter. Criteria: Invitae Variant Classification Sherloc (09022015). Collection method: clinical testing. Allele origin: germline.
Comment: This sequence change replaces aspartic acid, which is acidic and polar, with asparagine, which is neutral and polar, at codon 194 of the STK11 protein (p.Asp194Asn). This variant is not present in population databases (gnomAD no frequency). This missense change has been observed in individuals with Peutz-Jeghers syndrome (PJS) (PMID: 10408777, 12865922, 16287113, 16582077, 17026623, 20435009, 23399955, 23718779, 25226294). It has also been observed to segregate with disease in related individuals. ClinVar contains an entry for this variant (Variation ID: 188348). Invitae Evidence Modeling of protein sequence and biophysical properties (such as structural, functional, and spatial information, amino acid conservation, physicochemical variation, residue mobility, and thermodynamic stability) has been performed for this missense variant. However, the output from this modeling did not meet the statistical confidence thresholds required to predict the impact of this variant on STK11 protein function. For these reasons, this variant has been classified as Pathogenic.

Ambry Genetics
Classification: Pathogenic for Hereditary cancer-predisposing syndrome. Last evaluated: 2025-01-24. Review status: criteria provided, single submitter. Criteria: Ambry Variant Classification Scheme 2023. Collection method: clinical testing. Allele origin: germline.
Comment: The p.D194N pathogenic mutation (also known as c.580G>A), located in coding exon 4 of the STK11 gene, results from a G to A substitution at nucleotide position 580. The aspartic acid at codon 194 is replaced by asparagine, an amino acid with highly similar properties. This alteration has been described in multiple families meeting clinical diagnostic criteria for Peutz-Jeghers syndrome (PJS) (Westerman AM et al. Hum. Mutat. 1999;13:476-81; Schumacher V et al. J. Med. Genet. 2005 May;42:428-35; Chow E et al. Clin. Genet. 2006 Nov;70:409-14; Borun P et al. BMC Med. Genet. 2013 May;14:58; Hearle NC et al. J. Med. Genet. 2006 Apr;43:e15; Lim W et al. Br. J. Cancer. 2003 Jul;89:308-13; Jiang YL et al. Cancer Genet. 2019 01;230:47-57). This alteration has also been reported in two unrelated individuals with juvenile, adenomatous, and hyperplastic polyps (Ngeow J et al. Gastroenterology. 2013 Jun;144:1402-9, 1409.e1-5). This alteration has also been reported in 1/1197 individuals from Greece, Romania, and Turkey undergoing evaluation for inherited cancer predisposition (Tsaousis GN et al. BMC Cancer, 2019 Jun;19:535). Based on internal structural analysis using published crystal structures, D194N results in disruption of the ATP-binding active site (Ambry internal data). This amino acid position is highly conserved in available vertebrate species. In addition, the in silico prediction for this alteration is inconclusive. Based on the supporting evidence, this alteration is interpreted as a disease-causing mutation.

Myriad Genetics, Inc.
Classification: Pathogenic for Peutz-Jeghers syndrome. Last evaluated: 2024-02-12. Review status: criteria provided, single submitter. Criteria: Myriad Autosomal Dominant, Autosomal Recessive and X-Linked Classification Criteria (2023). Collection method: clinical testing. Allele origin: unknown.
Comment: This variant is considered pathogenic. This variant is expected to disrupt protein structure [Myriad internal data]. Functional studies indicate this variant impacts protein function [PMID: 15561763]. This variant has been reported in multiple individuals with clinical features of gene-specific disease [PMID: 10408777, 12865922, 16287113, 20393878].

Genome-Nilou Lab
Classification: Likely pathogenic for Peutz-Jeghers syndrome. Last evaluated: 2021-07-15. Review status: criteria provided, single submitter. Criteria: ACMG Guidelines, 2015. Collection method: clinical testing. Allele origin: germline. Affected: no.

Color Diagnostics, LLC DBA Color Health
Classification: Likely pathogenic for Hereditary cancer-predisposing syndrome. Last evaluated: 2021-04-27. Review status: criteria provided, single submitter. Criteria: ACMG Guidelines, 2015. Collection method: clinical testing. Allele origin: germline.
Comment: This missense variant replaces aspartic acid with asparagine at codon 194 of the STK11 protein. Computational prediction suggests that this variant may have deleterious impact on protein structure and function (internally defined REVEL score threshold >= 0.7, PMID: 27666373). To our knowledge, functional studies have not been reported for this variant, however other variants at this Asp194 position have been shown to be impaired or deficient in kinase activity (PMID: 11297520, 19414597, 32647375). This variant has been reported in individuals affected with Peutz-Jeghers syndrome and gastrointestinal polyposis (PMID: 10408777, 15188174, 15863673, 16287113, 16582077, 16707622, 17026623, 20393878, 20435009, 23415580, 23718779). This variant has not been identified in the general population by the Genome Aggregation Database (gnomAD). Based on the available evidence, this variant is classified as Likely Pathogenic.

GeneKor MSA
Classification: Likely pathogenic. Last evaluated: 2020-01-01. Review status: criteria provided, single submitter. Criteria: ACMG Guidelines, 2015. Collection method: clinical testing. Allele origin: germline.
Comment: This variant is a substitution of aspartic acid with asparagine at position 194 of the STK11 protein. This particular aspartic acid is highly conserved and there is small physicochemical variation caused by the change. The mutation is absent from population databases but it is reported in literature in individual or families affected by colorectal cancer and the Peutz-Jeghers syndrome (PMID:23399955, PMID: 10408777, PMID: 16582077). The mutation is located in a region of the protein that is considered to be particularly important for its proper function thus the mutation frequency in this region is high, thus it is considered a mutational 'hotspot' region (PMID: 14976552, PMID:14517248, PMID:21189378, PMID:23240097). The mutation database ClinVar contains entries for this variant (Variation ID: 188348).

GeneDx
Classification: Pathogenic. Last evaluated: 2019-07-26. Review status: criteria provided, single submitter. Criteria: GeneDx Variant Classification Process June 2021. Collection method: clinical testing. Allele origin: germline. Affected: yes.
Comment: Not observed in large population cohorts (Lek et al., 2016); This variant is associated with the following publications: (PMID: 32462036, 31159747, 28152038, 16287113, 20393878, 26233267, 25226294, 10408777, 23718779, 15863673, 17026623, 26056085, 27081308, 12865922, 23430953, 20435009, 16582077, 17924967, 23399955, 30528796)

Quest Diagnostics Nichols Institute San Juan Capistrano
Classification: Pathogenic. Last evaluated: 2019-04-15. Review status: criteria provided, single submitter. Criteria: Quest Diagnostics criteria. Collection method: clinical testing. Allele origin: germline.
Comment: Not found in the total gnomAD dataset, and the data is high quality (0/252614 chr). Statistically enriched in patients compared to ethnically matched controls. Predicted to have a damaging effect on the protein. Two other pathogenic or likely pathogenic variants affect the same amino acid.

Eurofins Ntd Llc (ga)
Classification: Pathogenic. Last evaluated: 2015-09-04. Review status: criteria provided, single submitter. Criteria: EGL Classification Definitions 2015. Collection method: clinical testing. Allele origin: germline. Observed: 3 variant alleles, 3 heterozygotes.

Clinical Genetics DNA and cytogenetics Diagnostics Lab, Erasmus MC, Erasmus Medical Center
Classification: Pathogenic. Review status: no assertion criteria provided. Collection method: clinical testing. Allele origin: germline. Affected: yes. Study: VKGL Data-share Consensus. Not counted in ClinVar's aggregate classification.

Department of Pathology and Laboratory Medicine, Sinai Health System
Classification: Pathogenic. Review status: no assertion criteria provided. Collection method: clinical testing. Allele origin: unknown. Affected: yes. Observed: 2 variant alleles. Study: The Canadian Open Genetics Repository (COGR). Not counted in ClinVar's aggregate classification.
Comment: The STK11 p.Asp194Asn variant was identified in 18 of 1868 proband chromosomes (frequency: 0.01) from individuals or families with Peutz-Jeghers Syndrome and is consistently reported as pathogenic in the literature (Aretz 2005, Borun 2013, Chow 2006, Crocker 2014, De Rosa 2010, Hearle 2006, Lim 2003, Ngeow 2013, Schumacher 2005, Westerman 1999, de Leng 2007, Yang 2010). The variant was also identified in dbSNP (ID: rs121913315) as â€šÃ„ÃºWith Pathogenic alleleâ€šÃ„Ã¹, in ClinVar (as pathogenic by Invitae and EGL Diagnostics and as likely pathogenic by Ambry Genetics), Clinvitae (5x), Cosmic (seen in prostate, breast, small intestine, and lung cancer), LOVD 3.0 (as pathogenic), and Zhejiang University Database (8x as pathogenic). The variant was not identified in MutDB or Insight Hereditary Tumors Database. The variant was not identified in the following control databases: the 1000 Genomes Project, the NHLBI GO Exome Sequencing Project, the Exome Aggregation Consortium (August 8th 2016), or the Genome Aggregation Database (Feb 27, 2017). The variant occurs outside of the splicing consensus sequence and in silico or computational prediction software programs (SpliceSiteFinder, MaxEntScan, NNSPLICE, GeneSplicer, HumanSpliceFinder) do not predict a difference in splicing. The p.Asp194 residue is conserved across mammals and other organisms, and four out of five computational analyses (PolyPhen-2, SIFT, AlignGVGD, BLOSUM, MutationTaster) suggest that the Asparagine variant may impact the protein; however, this information is not predictive enough to assume pathogenicity. In summary, based on the above information this variant meets our laboratoryâ€šÃ„Ã´s criteria to be classified as pathogenic.

Diagnostic Laboratory, Department of Genetics, University Medical Center Groningen
Classification: Pathogenic. Review status: no assertion criteria provided. Collection method: clinical testing. Allele origin: germline. Affected: yes. Study: VKGL Data-share Consensus. Not counted in ClinVar's aggregate classification.

Literature cited by the submitters: PubMed 10408777 (cited by 4 submitters); PubMed 12865922 (cited by 4 submitters); PubMed 16287113 (cited by 3 submitters); PubMed 16582077 (cited by 3 submitters); PubMed 17026623 (cited by 3 submitters); PubMed 20435009 (cited by Labcorp Genetics (formerly Invitae), Labcorp and Quest Diagnostics Nichols Institute San Juan Capistrano); PubMed 23399955 (cited by 3 submitters); PubMed 23718779 (cited by 3 submitters); PubMed 25226294 (cited by 3 submitters); PubMed 15863673 (cited by Ambry Genetics); PubMed 20393878 (cited by Ambry Genetics and Myriad Genetics, Inc.); PubMed 30528796 (cited by Ambry Genetics); PubMed 31159747 (cited by Ambry Genetics); PubMed 15561763 (cited by Myriad Genetics, Inc.); PubMed 27081308 (cited by Quest Diagnostics Nichols Institute San Juan Capistrano); PubMed 26056085 (cited by Quest Diagnostics Nichols Institute San Juan Capistrano); PubMed 28152038 (cited by Quest Diagnostics Nichols Institute San Juan Capistrano); PubMed 19892943 (cited by Quest Diagnostics Nichols Institute San Juan Capistrano).